The following is an entry in ClinVar:

NM_005045.4(RELN):c.8404G>C (p.Gly2802Arg)

Genes: RELN (reelin; minus strand), SLC26A5-AS1 (SLC26A5 antisense RNA 1; plus strand). Cytogenetic location: 7q22.1.
Variant type: single nucleotide variant.
Coding change: c.8404G>C on transcript NM_005045.4 (MANE Select); coding-DNA position 8404, G replaced by C.
Protein change: p.Gly2802Arg; replaces glycine 2802 with arginine.
Molecular consequence: missense variant.
Genome position (GRCh38, 1-based): chr7:103,503,101, C>G on the plus strand (G>C on the coding strand, the complement: RELN is on the minus strand). VCF-style: chr7-103503101-C-G. GRCh37 (hg19) VCF-style: chr7-103143548-C-G.
Other names: c.8404G>C, p.Gly2802Arg (NM_173054.3); short protein forms G2802R.
Identifiers: ClinVar variation 2086457 (VCV002086457.4), dbSNP rs772873306, ClinGen allele CA368757089.
Genomic context (GRCh38, chr7:103,503,101, plus strand): 5'-GGTAGGTGATCCTTTTCCACCCTTTAGTTGGAAAGAATACAGATGGCTGAGAAACACTTC[C>G]AGAGCATTTTGGGTCAGCAGGCAAGCACTGAGGGACCAGATAATTCCAACTCACACCGAA-3'
Protein context (NP_005036.2, residues 2792-2812): QCLPADPKCS[Gly2802Arg]SVSQPSVFFP

ClinVar aggregate classification (germline): Uncertain significance (1 of 4 stars; one submission).

Conditions:
Familial temporal lobe epilepsy 7. Identifiers: Orphanet 101046, MedGen C4225327, MONDO:0014639, OMIM 616436.
Norman-Roberts syndrome (LIS2). Also called: Lissencephaly 2 (Norman-Roberts type). Identifiers: Orphanet 89844, MedGen C0796089, MONDO:0009760, OMIM 257320.

gnomAD v4.1: 1 of 1,614,114 alleles (0.000062%); highest among the groups gnomAD compares: Non-Finnish European, 0.000085%; no homozygotes.

Submission:

Labcorp Genetics (formerly Invitae), Labcorp
Classification: Uncertain significance for Familial temporal lobe epilepsy 7; Norman-Roberts syndrome. Last evaluated: 2022-01-16. Review status: criteria provided, single submitter. Criteria: Invitae Variant Classification Sherloc (09022015). Collection method: clinical testing. Allele origin: germline.
Comment: In summary, the available evidence is currently insufficient to determine the role of this variant in disease. Therefore, it has been classified as a Variant of Uncertain Significance. Algorithms developed to predict the effect of missense changes on protein structure and function are either unavailable or do not agree on the potential impact of this missense change (SIFT: "Deleterious"; PolyPhen-2: "Benign"; Align-GVGD: "Class C0"). This variant has not been reported in the literature in individuals affected with RELN-related conditions. This variant is not present in population databases (gnomAD no frequency). This sequence change replaces glycine, which is neutral and non-polar, with arginine, which is basic and polar, at codon 2802 of the RELN protein (p.Gly2802Arg).